The following is an entry in ClinVar:

ClinVar aggregate classification (germline): Uncertain significance. Review status: criteria provided, multiple submitters, no conflicts (2 of 4 stars). 2 submissions from 2 submitters: Uncertain significance (2). Last evaluated 2025-07-28.

Conditions:
Inborn genetic diseases. Identifiers: MedGen C0950123, MeSH D030342.
Charcot-Marie-Tooth disease type 4. Also called: Charcot-Marie-Tooth disease, type IV; Charcot-Marie-Tooth, Type 4. Identifiers: Orphanet 64749, MedGen C4082197, MONDO:0018995.

Allele frequency attached by ClinVar (database versions not stated): gnomAD exomes below 0.00001; gnomAD 0.00004; TOPMed 0.00006.
gnomAD v4.1: 7 of 1,614,052 alleles (0.00043%); highest among the groups gnomAD compares: African/African-American, 0.0093%; no homozygotes.

Submissions (2):

Labcorp Genetics (formerly Invitae), Labcorp
Classification: Uncertain significance for Charcot-Marie-Tooth disease type 4. Last evaluated: 2025-07-28. Review status: criteria provided, single submitter. Criteria: Invitae Variant Classification Sherloc (09022015). Collection method: clinical testing. Allele origin: germline.
Comment: This sequence change replaces serine, which is neutral and polar, with phenylalanine, which is neutral and non-polar, at codon 1282 of the SBF2 protein (p.Ser1282Phe). This variant is present in population databases (no rsID available, gnomAD 0.01%). This variant has not been reported in the literature in individuals affected with SBF2-related conditions. ClinVar contains an entry for this variant (Variation ID: 1426962). Invitae Evidence Modeling of protein sequence and biophysical properties (such as structural, functional, and spatial information, amino acid conservation, physicochemical variation, residue mobility, and thermodynamic stability) indicates that this missense variant is not expected to disrupt SBF2 protein function with a negative predictive value of 80%. In summary, the available evidence is currently insufficient to determine the role of this variant in disease. Therefore, it has been classified as a Variant of Uncertain Significance.

Ambry Genetics
Classification: Uncertain significance for Inborn genetic diseases. Last evaluated: 2021-05-19. Review status: criteria provided, single submitter. Criteria: Ambry Variant Classification Scheme 2023. Collection method: clinical testing. Allele origin: germline.
Comment: The p.S1282F variant (also known as c.3845C>T), located in coding exon 29 of the SBF2 gene, results from a C to T substitution at nucleotide position 3845. The serine at codon 1282 is replaced by phenylalanine, an amino acid with highly dissimilar properties. This amino acid position is not well conserved in available vertebrate species. In addition, the in silico prediction for this alteration is inconclusive. Since supporting evidence is limited at this time, the clinical significance of this alteration remains unclear.

NM_030962.4(SBF2):c.3845C>T (p.Ser1282Phe)

Gene: SBF2 (SET binding factor 2; minus strand). Cytogenetic location: 11p15.4.
Variant type: single nucleotide variant.
Coding change: c.3845C>T on transcript NM_030962.4 (MANE Select); coding-DNA position 3845, C replaced by T.
Protein change: p.Ser1282Phe; replaces serine 1282 with phenylalanine.
Molecular consequence: missense variant.
Genome position (GRCh38, 1-based): chr11:9,816,973, G>A on the plus strand (C>T on the coding strand, the complement: SBF2 is on the minus strand). VCF-style: chr11-9816973-G-A. GRCh37 (hg19) VCF-style: chr11-9838520-G-A.
Other names: c.3941C>T, p.Ser1314Phe (NM_001386339.1); c.3716C>T, p.Ser1239Phe (NM_001386342.1); short protein forms S1239F, S1314F, S1282F.
Identifiers: ClinVar variation 1426962 (VCV001426962.8), dbSNP rs1442358051, ClinGen allele CA379644726.